The following is an entry in ClinVar:

NM_001039672.3(YIF1B):c.447C>G (p.Arg149=)

Gene: YIF1B (Yip1 interacting factor homolog B, membrane trafficking protein; minus strand). Cytogenetic location: 19q13.2.
Variant type: single nucleotide variant.
Coding change: c.447C>G on transcript NM_001039672.3 (MANE Select); coding-DNA position 447, C replaced by G.
Protein change: p.Arg149=; no amino-acid change (arginine 149 retained).
Molecular consequence: synonymous variant.
Genome position (GRCh38, 1-based): chr19:38,309,013, G>C on the plus strand (C>G on the coding strand, the complement: YIF1B is on the minus strand). VCF-style: chr19-38309013-G-C. GRCh37 (hg19) VCF-style: chr19-38799653-G-C.
Other names: c.402C>G, p.Arg134= (NM_001039671.3); c.438C>G, p.Arg146= (NM_001039673.3, NM_001145463.2); c.396C>G, p.Arg132= (NM_001145461.2); c.354C>G, p.Arg118= (NM_001145462.2).
Identifiers: ClinVar variation 2672762 (VCV002672762.23), dbSNP rs748198964, ClinGen allele CA9412016.
Genomic context (GRCh38, chr19:38,309,013, plus strand): 5'-GGTGCAGGGTAGGGGGAGGGTGAAACCTGGAATGTAGAGGTCCGGGGCATTGACGTCAAA[G>C]CGGGGGGCCACCGGGGTGTCCTGTTGGTACTGCACTTCCCAGTCCTGCGGGGATGGGGAG-3'
Protein context (NP_001034761.1, residues 139-159): QYQQDTPVAP[Arg149=]FDVNAPDLYI

ClinVar aggregate classification (germline): Likely benign (1 of 4 stars; one submission).

Allele frequency attached by ClinVar (database versions not stated): ExAC 0.00003; gnomAD 0.00005; TOPMed 0.00005.
gnomAD v4.1: 106 of 1,573,966 alleles (0.0067%); highest among the groups gnomAD compares: Non-Finnish European, 0.009%; no homozygotes.

Submission:

CeGaT Center for Human Genetics Tuebingen
Classification: Likely benign. Last evaluated: 2023-11-01. Review status: criteria provided, single submitter. Criteria: CeGaT Center For Human Genetics Tuebingen Variant Classification Criteria Version 2. Collection method: clinical testing. Allele origin: germline. Affected: yes. Observed: 1 variant allele.
Comment: YIF1B: BP4, BP7